The following is an entry in ClinVar:

NM_001134407.3(GRIN2A):c.256G>A (p.Val86Met)

Gene: GRIN2A (glutamate ionotropic receptor NMDA type subunit 2A; minus strand). Cytogenetic location: 16p13.2.
Variant type: single nucleotide variant.
Coding change: c.256G>A on transcript NM_001134407.3 (MANE Select); coding-DNA position 256, G replaced by A.
Protein change: p.Val86Met; replaces valine 86 with methionine.
Molecular consequence: missense variant.
Genome position (GRCh38, 1-based): chr16:10,180,156, C>T on the plus strand (G>A on the coding strand, the complement: GRIN2A is on the minus strand). VCF-style: chr16-10180156-C-T. GRCh37 (hg19) VCF-style: chr16-10274013-C-T.
Other names: c.256G>A, p.Val86Met (NM_000833.5, NM_001134408.2); short protein forms V86M.
Identifiers: ClinVar variation 4780690 (VCV004780690.1).

ClinVar aggregate classification (germline): Uncertain significance (1 of 4 stars; one submission).

Conditions:
Landau-Kleffner syndrome (FESD). Also called: EPILEPSY, FOCAL, WITH SPEECH DISORDER AND WITH OR WITHOUT MENTAL RETARDATION; APHASIA, ACQUIRED, WITH EPILEPSY. Identifiers: Orphanet 1945, Orphanet 725, Orphanet 98818, MedGen C0282512, MONDO:0009509, OMIM 245570.

gnomAD v4.1: 2 of 1,614,202 alleles (0.00012%); highest among the groups gnomAD compares: South Asian, 0.0011%; no homozygotes.

Submission:

Labcorp Genetics (formerly Invitae), Labcorp
Classification: Uncertain significance for Landau-Kleffner syndrome. Last evaluated: 2025-03-20. Review status: criteria provided, single submitter. Criteria: Invitae Variant Classification Sherloc (09022015). Collection method: clinical testing. Allele origin: germline.
Comment: This sequence change replaces valine, which is neutral and non-polar, with methionine, which is neutral and non-polar, at codon 86 of the GRIN2A protein (p.Val86Met). This variant is present in population databases (rs758742694, gnomAD 0.0009%). This variant has not been reported in the literature in individuals affected with GRIN2A-related conditions. Invitae Evidence Modeling of protein sequence and biophysical properties (such as structural, functional, and spatial information, amino acid conservation, physicochemical variation, residue mobility, and thermodynamic stability) indicates that this missense variant is not expected to disrupt GRIN2A protein function with a negative predictive value of 80%. In summary, the available evidence is currently insufficient to determine the role of this variant in disease. Therefore, it has been classified as a Variant of Uncertain Significance.